The following is an entry in ClinVar:

ClinVar aggregate classification (germline): Uncertain significance (1 of 4 stars; one submission).

Conditions:
Malignant hyperthermia, susceptibility to, 1 (MHS1). Also called: Anesthesia related hyperthermia; Malignant hyperpyrexia; Fulminating hyperpyrexia; Pharmacogenic myopathy; RYR1-Related Malignant Hyperthermia Susceptibility; Malignant hyperthermia suceptibility 1. Identifiers: Orphanet 423, MedGen C2930980, MONDO:0007783, OMIM 145600.

Submission:

All of Us Research Program, National Institutes of Health
Classification: Uncertain significance for Malignant hyperthermia, susceptibility to, 1. Last evaluated: 2023-09-17. Review status: criteria provided, single submitter. Criteria: ACMG Guidelines, 2015. Collection method: clinical testing. Allele origin: germline. Inheritance: Autosomal dominant inheritance. Observed: 1 variant allele, 1 heterozygote.
Comment: This missense variant replaces glutamine with proline at codon 3355 of the RYR1 protein. Computational prediction suggests that this variant may not impact protein structure and function (internally defined REVEL score threshold <= 0.5, PMID: 27666373). To our knowledge, functional studies have not been reported for this variant. This variant has not been reported in individuals affected with RYR1-related disorders in the literature. This variant has not been identified in the general population by the Genome Aggregation Database (gnomAD). The available evidence is insufficient to determine the role of this variant in disease conclusively. Therefore, this variant is classified as a Variant of Uncertain Significance.

This study involves interpretation of variants in research participants for the purpose of population health screening. Participant phenotype was not available at the time of variant classification. Additional details can be found in publication PMID: 35346344, PMCID: PMC8962531

NM_000540.3(RYR1):c.10064A>C (p.Gln3355Pro)

Gene: RYR1 (ryanodine receptor 1; plus strand). Cytogenetic location: 19q13.2.
Variant type: single nucleotide variant.
Coding change: c.10064A>C on transcript NM_000540.3 (MANE Select); coding-DNA position 10064, A replaced by C.
Protein change: p.Gln3355Pro; replaces glutamine 3355 with proline.
Molecular consequence: missense variant.
Genome position (GRCh38, 1-based): chr19:38,519,259, A>C. VCF-style: chr19-38519259-A-C. GRCh37 (hg19) VCF-style: chr19-39009899-A-C.
Other names: c.10064A>C, p.Gln3355Pro (NM_001042723.2); short protein forms Q3355P.
Identifiers: ClinVar variation 3073433 (VCV003073433.1), dbSNP rs2514443095, ClinGen allele CA405694838.
Genomic context (GRCh38, chr19:38,519,259, plus strand): 5'-ATCGCACCCCTGCAGTGTTCGCACAGCCCATTGTGAGCCGTGCACGGCCGGAGCTCCTGC[A>C]GTCCCACTTCATCCCAACTATCGGGCGGCTGCGCAAGAGGGCAGGGAAGGTGGTGTCCGA-3'
Protein context (NP_000531.2, residues 3345-3365): IVSRARPELL[Gln3355Pro]SHFIPTIGRL